The following is an entry in ClinVar:

ClinVar aggregate classification (germline): Conflicting classifications of pathogenicity. Review status: criteria provided, conflicting classifications (1 of 4 stars). 3 submissions from 3 submitters: Pathogenic (1); Uncertain significance (2). Last evaluated 2024-12-19.

Conditions:
Tuberous sclerosis syndrome (TSC). Also called: Tuberous sclerosis; Tuberous Sclerosis Complex. Identifiers: Orphanet 805, MedGen C0041341, MONDO:0001734.
TSC1-related disorder. Also called: TSC1-related condition.
Tuberous sclerosis 1 (TSC1). Identifiers: Orphanet 805, MedGen C1854465, MONDO:0008612, OMIM 191100.

Submissions (3):

Genomic Medicine Laboratory, Hospital de Clinicas de Porto Alegre
Classification: Pathogenic for Tuberous sclerosis complex. Last evaluated: 2024-12-19. Review status: criteria provided, single submitter. Criteria: ACMG Guidelines, 2015. Collection method: research, in vitro. Allele origin: germline, not applicable. Inheritance: Autosomal dominant inheritance. Affected: yes. Observed: 2 variant alleles. Functional consequence: cryptic splice site, retained intron.
Comment: The variant c.664-10A>G is located at intron 7 of the TSC1 gene. Splice AI score for this variant was 0.86 for acceptor loss at position -10 and 0.76 for acceptor gain at position -1. The variant is not present in the population databases gnomAD, ExAC, and 1000 Genomes Project. This alteration leads to the inclusion of 9 intronic base pairs in the messenger RNA. This sequence change creates a premature translational stop signal in the corresponding protein. The predicted truncated protein has 223 amino acids and lacks a functional domain. The variant was not present in individuals from the same family without TSC clinical diagnosis. ACMG criteria used to classify this variant: BP4 + PM4 + PM2 + PP4 + PP1 + PVS1.

PreventionGenetics, part of Exact Sciences
Classification: Uncertain significance for TSC1-related condition. Last evaluated: 2023-03-24. Review status: criteria provided, single submitter. Criteria: ACMG Guidelines, 2015. Collection method: clinical testing. Allele origin: germline.
Comment: The TSC1 c.664-10A>G variant is predicted to interfere with splicing. This variant is predicted to abolish the canonical acceptor splice site and create a cryptic splice site based on available splicing prediction programs (Alamut Visual Plus v1.6.1). To our knowledge, this variant has not been reported in the literature or in a large population database, indicating this variant is rare. A different substitution affecting this nucleotide (c.664-10A>C) has been reported in an individual with tuberous sclerosis (Rosset et al. 2017. PubMed ID: 28968464). However, the use of computer prediction programs is not equivalent to functional evidence, and therefore the clinical significance of this variant is uncertain.

Labcorp Genetics (formerly Invitae), Labcorp
Classification: Uncertain significance for Tuberous sclerosis 1. Last evaluated: 2020-05-04. Review status: criteria provided, single submitter. Criteria: Invitae Variant Classification Sherloc (09022015). Collection method: clinical testing. Allele origin: germline.
Comment: This variant is not present in population databases (ExAC no frequency). This sequence change falls in intron 7 of the TSC1 gene. It does not directly change the encoded amino acid sequence of the TSC1 protein. This variant has been reported in individuals in the Leiden Open-source Variation Database (PMID: 21520333). Algorithms developed to predict the effect of sequence changes on RNA splicing suggest that this variant may disrupt the consensus splice site, but this prediction has not been confirmed by published transcriptional studies. In summary, the available evidence is currently insufficient to determine the role of this variant in disease. Therefore, it has been classified as a Variant of Uncertain Significance.

Literature cited by the submitters: PubMed 21520333 (cited by Labcorp Genetics (formerly Invitae), Labcorp).

NM_000368.5(TSC1):c.664-10A>G

Gene: TSC1 (TSC complex subunit 1; minus strand). Cytogenetic location: 9q34.13.
Variant type: single nucleotide variant.
Coding change: c.664-10A>G on transcript NM_000368.5 (MANE Select); 10 bases into the intron before coding-DNA position 664, A replaced by G.
Molecular consequence: intron variant.
Genome position (GRCh38, 1-based): chr9:132,921,446, T>C on the plus strand (A>G on the coding strand, the complement: TSC1 is on the minus strand). VCF-style: chr9-132921446-T-C. GRCh37 (hg19) VCF-style: chr9-135796833-T-C.
Other names: c.301-10A>G (NM_001362177.2); c.511-10A>G (NM_001162427.2); c.664-10A>G (NM_001162426.2, NM_000368.4).
Identifiers: ClinVar variation 1006447 (VCV001006447.11), dbSNP rs1588345946, ClinGen allele CA1882421765.
Genomic context (GRCh38, chr9:132,921,446, plus strand): 5'-CTTGGATCCAGTCACTAATTCCGGATGAATTCGCACATGCTCCATCATTGGCTAGAAGAG[T>C]TGGGTTGACAAATTATAAAGGGCTGAATGTTTGTGGAACATCCAAATGATGGAATATTAG-3'